The following is an entry in ClinVar:

NM_000492.4(CFTR):c.2335del (p.Gln779fs)

Gene: CFTR (CF transmembrane conductance regulator; plus strand). Cytogenetic location: 7q31.2.
Variant type: Deletion.
Coding change: c.2335del on transcript NM_000492.4 (MANE Select); coding-DNA position 2335, one base deleted (C; older notation c.2335delC).
Protein change: p.Gln779fs; shifts the reading frame from glutamine 779.
Molecular consequence: frameshift variant.
Genome position (GRCh38, 1-based): chr7:117,592,502, C deleted; the last of 2 consecutive C bases (chr7:117,592,501-117,592,502); deleting either gives the same sequence. VCF-style (leftmost placement, unchanged base first): chr7-117592500-AC-A. GRCh37 (hg19) VCF-style: chr7-117232554-AC-A.
Other names: ?; short protein forms Q779fs.
Identifiers: ClinVar variation 1706065 (VCV001706065.3), dbSNP rs2485110556, ClinGen allele CA2580076545.

ClinVar aggregate classification (germline): Pathogenic (1 of 4 stars; one submission).

Conditions:
Cystic fibrosis (CF). Also called: MUCOVISCIDOSIS. Identifiers: Orphanet 586, MedGen C0010674, MONDO:0009061, OMIM 219700. Disease mechanism: loss of function.

Submission:

Institute of Human Genetics, University of Leipzig Medical Center
Classification: Pathogenic for Cystic fibrosis. Last evaluated: 2023-07-26. Review status: criteria provided, single submitter. Criteria: ACMG Guidelines, 2015. Collection method: curation. Allele origin: unknown. Affected: yes. Observed: 1 variant allele.
Comment: This variant was classified based on the report of 1 patient with a clinically confirmed diagnosis of cystic fibrosis in the context of re-classifying variants in the German Cystic Fibrosis Registry (Muko e.V.). Patients have not been seen personally, but only reports were evaluated. Criteria applied:PVS1, PM2_SUP, PP4